The following is an entry in ClinVar:

ClinVar aggregate classification (germline): Uncertain significance (1 of 4 stars; one submission).

Submission:

Labcorp Genetics (formerly Invitae), Labcorp
Classification: Uncertain significance. Last evaluated: 2022-06-14. Review status: criteria provided, single submitter. Criteria: Invitae Variant Classification Sherloc (09022015). Collection method: clinical testing. Allele origin: germline.
Comment: In summary, the available evidence is currently insufficient to determine the role of this variant in disease. Therefore, it has been classified as a Variant of Uncertain Significance. Advanced modeling of protein sequence and biophysical properties (such as structural, functional, and spatial information, amino acid conservation, physicochemical variation, residue mobility, and thermodynamic stability) performed at Invitae indicates that this missense variant is not expected to disrupt FAT4 protein function. This variant has not been reported in the literature in individuals affected with FAT4-related conditions. This variant is not present in population databases (gnomAD no frequency). This sequence change replaces glutamine, which is neutral and polar, with arginine, which is basic and polar, at codon 318 of the FAT4 protein (p.Gln318Arg).

NM_001291303.3(FAT4):c.953A>G (p.Gln318Arg)

Gene: FAT4 (FAT atypical cadherin 4; plus strand). Cytogenetic location: 4q28.1.
Variant type: single nucleotide variant.
Coding change: c.953A>G on transcript NM_001291303.3 (MANE Select); coding-DNA position 953, A replaced by G.
Protein change: p.Gln318Arg; replaces glutamine 318 with arginine.
Molecular consequence: missense variant.
Genome position (GRCh38, 1-based): chr4:125,317,364, A>G. VCF-style: chr4-125317364-A-G. GRCh37 (hg19) VCF-style: chr4-126238519-A-G.
Other names: c.953A>G, p.Gln318Arg (NM_001291285.3, NM_024582.6); short protein forms Q318R.
Identifiers: ClinVar variation 2006764 (VCV002006764.4), dbSNP rs2530424413, ClinGen allele CA358116881.
Genomic context (GRCh38, chr4:125,317,364, plus strand): 5'-TGGACCCTGAGACGGGACTTATCACGGTGCGGGAGCCCCTGGACTTCGAAGCTCGGCGCC[A>G]ATACTCGCTTACGGTGCAGGCGATGGACAGAGGCGTGCCTTCCCTCACTGGGCGCGCCGA-3'
Protein context (NP_001278232.1, residues 308-328): REPLDFEARR[Gln318Arg]YSLTVQAMDR